The following is an entry in ClinVar:

NM_031220.4(PITPNM3):c.2329A>C (p.Met777Leu)

Gene: PITPNM3 (PITPNM family member 3; minus strand). Cytogenetic location: 17p13.2.
Variant type: single nucleotide variant.
Coding change: c.2329A>C on transcript NM_031220.4 (MANE Select); coding-DNA position 2329, A replaced by C.
Protein change: p.Met777Leu; replaces methionine 777 with leucine.
Molecular consequence: missense variant.
Genome position (GRCh38, 1-based): chr17:6,461,534, T>G on the plus strand (A>C on the coding strand, the complement: PITPNM3 is on the minus strand). VCF-style: chr17-6461534-T-G. GRCh37 (hg19) VCF-style: chr17-6364854-T-G.
Other names: c.2221A>C, p.Met741Leu (NM_001165966.2); short protein forms M741L, M777L.
Identifiers: ClinVar variation 2784514 (VCV002784514.3), dbSNP rs776064719, ClinGen allele CA8329197.
Genomic context (GRCh38, chr17:6,461,534, plus strand): 5'-ACAGCCACGACACCACCCGCTGCTTCTGCATGTCCGGCCGTCCCGTGATGTAAAGGATCA[T>G]GTAGCCCAAGTCCTGCCAGTGCCTGGTGAGATGGCATTAGAAGGGTCCAGCCCTGCCCAG-3'
Protein context (NP_112497.2, residues 767-787): VVRHWQDLGY[Met777Leu]ILYITGRPDM

ClinVar aggregate classification (germline): Uncertain significance (1 of 4 stars; one submission).

Allele frequency attached by ClinVar (database versions not stated): ExAC 0.00001.
gnomAD v4.1: 3 of 1,614,216 alleles (0.00019%); highest among the groups gnomAD compares: Admixed American, 0.0033%; no homozygotes.

Submission:

Labcorp Genetics (formerly Invitae), Labcorp
Classification: Uncertain significance. Last evaluated: 2023-04-07. Review status: criteria provided, single submitter. Criteria: Invitae Variant Classification Sherloc (09022015). Collection method: clinical testing. Allele origin: germline.
Comment: This variant is present in population databases (rs776064719, gnomAD 0.003%). This sequence change replaces methionine, which is neutral and non-polar, with leucine, which is neutral and non-polar, at codon 777 of the PITPNM3 protein (p.Met777Leu). This variant has not been reported in the literature in individuals affected with PITPNM3-related conditions. Advanced modeling of protein sequence and biophysical properties (such as structural, functional, and spatial information, amino acid conservation, physicochemical variation, residue mobility, and thermodynamic stability) performed at Invitae indicates that this missense variant is not expected to disrupt PITPNM3 protein function. In summary, the available evidence is currently insufficient to determine the role of this variant in disease. Therefore, it has been classified as a Variant of Uncertain Significance.